The following is an entry in ClinVar:

ClinVar aggregate classification (germline): Uncertain significance. Review status: criteria provided, single submitter (1 of 4 stars). 2 submissions from 2 submitters: Uncertain significance (1). 1 of the submissions does not count toward it. Last evaluated 2016-02-27.

Conditions:
Shukla-Vernon syndrome. Identifiers: MedGen C5193146, MONDO:0026727, OMIM 301029.

Allele frequency attached by ClinVar (database versions not stated): gnomAD 0.00001; gnomAD exomes 0.00001.
gnomAD v4.1: 12 of 1,208,689 alleles (0.00099%); highest among the groups gnomAD compares: Non-Finnish European, 0.0013%; no homozygotes.

Submissions (2):

GeneDx
Classification: Uncertain significance. Last evaluated: 2016-02-27. Review status: criteria provided, single submitter. Criteria: GeneDx Variant Classification (06012015). Collection method: clinical testing. Allele origin: germline. Affected: yes.
Comment: The S496F variant in the BCORL1 gene has not been reported previously as a pathogenic variant, nor as a benign variant, to our knowledge. The S496F variant was not observed in approximately 6500 individuals of European and African American ancestry in the NHLBI Exome Sequencing Project, indicating it is not a common benign variant in these populations. The S496F variant is a non-conservative amino acid substitution, which is likely to impact secondary protein structure as these residues differ in polarity, charge, size and/or other properties. This substitution occurs at a position that is conserved in mammals. In silico analysis predicts this variant is probably damaging to the protein structure/function. We interpret S496F as a variant of uncertain significance.

OMIM
Classification: Pathogenic for SHUKLA-VERNON SYNDROME. Last evaluated: 2019-07-25. Review status: no assertion criteria provided. Collection method: literature only. Allele origin: germline. Not counted in ClinVar's aggregate classification.

Literature cited by the submitters: PubMed 30941876 (cited by OMIM).

NM_001379451.1(BCORL1):c.1487C>T (p.Ser496Phe)

Gene: BCORL1 (BCL6 corepressor like 1; plus strand). Cytogenetic location: Xq26.1.
Variant type: single nucleotide variant.
Coding change: c.1487C>T on transcript NM_001379451.1 (MANE Select); coding-DNA position 1487, C replaced by T.
Protein change: p.Ser496Phe; replaces serine 496 with phenylalanine.
Molecular consequence: missense variant.
Genome position (GRCh38, 1-based): chrX:130,014,259, C>T. VCF-style: chrX-130014259-C-T. GRCh37 (hg19) VCF-style: chrX-129148235-C-T.
Other names: c.1487C>T, p.Ser496Phe (NM_001184772.3, NM_001379450.1, NM_021946.5); short protein forms S496F.
Identifiers: ClinVar variation 383470 (VCV000383470.3), dbSNP rs1057521638, ClinGen allele CA16608689.